The following is an entry in ClinVar:

NM_020686.6(ABAT):c.589T>A (p.Cys197Ser)

Gene: ABAT (4-aminobutyrate aminotransferase; plus strand). Cytogenetic location: 16p13.2.
Variant type: single nucleotide variant.
Coding change: c.589T>A on transcript NM_020686.6 (MANE Select); coding-DNA position 589, T replaced by A.
Protein change: p.Cys197Ser; replaces cysteine 197 with serine.
Molecular consequence: missense variant. On other transcripts: intron variant (4).
Genome position (GRCh38, 1-based): chr16:8,766,256, T>A. VCF-style: chr16-8766256-T-A. GRCh37 (hg19) VCF-style: chr16-8860113-T-A.
Other names: c.589T>A, p.Cys197Ser (NM_000663.5, NM_001127448.2, NM_001386600.1 and 7 more transcripts); c.496T>A, p.Cys166Ser (NM_001386608.1); c.454T>A, p.Cys152Ser (NM_001386610.1, NM_001386611.1); c.343T>A, p.Cys115Ser (NM_001386614.1); c.685T>A, p.Cys229Ser (NM_001386615.1); c.540+1426T>A (NM_001386607.1, NM_001386606.1); c.405+1426T>A (NM_001386612.1, NM_001386613.1); short protein forms C197S, C166S, C229S, C115S, C152S.
Identifiers: ClinVar variation 1496490 (VCV001496490.6), dbSNP rs1567311566, ClinGen allele CA394688638.

ClinVar aggregate classification (germline): Uncertain significance (1 of 4 stars; one submission).

Conditions:
Gamma-aminobutyric acid transaminase deficiency (GABATD). Also called: GABA transaminase deficiency; Gamma aminobutyrate transaminase deficiency; 4 alpha aminobutyrate transaminase deficiency; GABA aminotransaminase deficiency. Identifiers: Orphanet 2066, MedGen C0342708, MONDO:0013166, OMIM 613163.

Allele frequency attached by ClinVar (database versions not stated): gnomAD exomes below 0.00001.

Submission:

Labcorp Genetics (formerly Invitae), Labcorp
Classification: Uncertain significance for Gamma-aminobutyric acid transaminase deficiency. Last evaluated: 2021-12-03. Review status: criteria provided, single submitter. Criteria: Invitae Variant Classification Sherloc (09022015). Collection method: clinical testing. Allele origin: germline.
Comment: In summary, the available evidence is currently insufficient to determine the role of this variant in disease. Therefore, it has been classified as a Variant of Uncertain Significance. This sequence change replaces cysteine, which is neutral and slightly polar, with serine, which is neutral and polar, at codon 197 of the ABAT protein (p.Cys197Ser). This variant is not present in population databases (gnomAD no frequency). This variant has not been reported in the literature in individuals affected with ABAT-related conditions. Algorithms developed to predict the effect of missense changes on protein structure and function are either unavailable or do not agree on the potential impact of this missense change (SIFT: "Deleterious"; PolyPhen-2: "Benign"; Align-GVGD: "Class C0").